The following is an entry in ClinVar:

NM_000368.5(TSC1):c.149T>C (p.Leu50Pro)

Gene: TSC1 (TSC complex subunit 1; minus strand). Cytogenetic location: 9q34.13.
Variant type: single nucleotide variant.
Coding change: c.149T>C on transcript NM_000368.5 (MANE Select); coding-DNA position 149, T replaced by C.
Protein change: p.Leu50Pro; replaces leucine 50 with proline.
Molecular consequence: missense variant. On other transcripts: intron variant (1).
Genome position (GRCh38, 1-based): chr9:132,927,262, A>G on the plus strand (T>C on the coding strand, the complement: TSC1 is on the minus strand). VCF-style: chr9-132927262-A-G. GRCh37 (hg19) VCF-style: chr9-135802649-A-G.
Other names: c.149T>C, p.Leu50Pro (NM_001162426.2, NM_001162427.2); c.-154+1505T>C (NM_001362177.2); short protein forms L50P.
Identifiers: ClinVar variation 48793 (VCV000048793.7), dbSNP rs118203341, ClinGen allele CA004957.

ClinVar aggregate classification (germline): Uncertain significance. Review status: criteria provided, multiple submitters, no conflicts (2 of 4 stars). 3 submissions from 3 submitters: Uncertain significance (2). 1 of the submissions does not count toward it. Last evaluated 2026-01-26.

Conditions:
Hereditary cancer-predisposing syndrome. Also called: Hereditary Cancer Syndrome; Hereditary neoplastic syndrome; Neoplastic Syndromes, Hereditary; Tumor predisposition. Identifiers: Orphanet 140162, MedGen C0027672, MeSH D009386, MONDO:0015356.
Tuberous sclerosis syndrome (TSC). Also called: Tuberous Sclerosis Complex; Tuberous sclerosis. Identifiers: Orphanet 805, MedGen C0041341, MONDO:0001734.
Tuberous sclerosis 1 (TSC1). Identifiers: Orphanet 805, MedGen C1854465, MONDO:0008612, OMIM 191100.

Submissions (3):

Ambry Genetics
Classification: Uncertain significance for Hereditary cancer-predisposing syndrome. Last evaluated: 2026-01-26. Review status: criteria provided, single submitter. Criteria: Ambry Variant Classification Scheme 2023. Collection method: clinical testing. Allele origin: germline.
Comment: The p.L50P variant (also known as c.149T>C), located in coding exon 2 of the TSC1 gene, results from a T to C substitution at nucleotide position 149. The leucine at codon 50 is replaced by proline, an amino acid with similar properties. This alteration has been reported in tuberous sclerosis complex cohorts (Rosengren T et al. Sci Rep, 2020 Jun;10:9909; van Eeghen AM et al. Epilepsy Res, 2013 Jan;103:83-7; Mozaffari M et al. BMC Med Genet, 2009 Sep;10:88). A protein functional study demonstrated this variant has a deleterious impact on function (Hoogeveen-Westerveld M et al. Hum Mutat, 2011 Apr;32:424-35). This amino acid position is highly conserved in available vertebrate species. In addition, this alteration is predicted to be deleterious by in silico analysis. Based on the available evidence, the clinical significance of this variant remains unclear.

Labcorp Genetics (formerly Invitae), Labcorp
Classification: Uncertain significance for Tuberous sclerosis 1. Last evaluated: 2025-05-28. Review status: criteria provided, single submitter. Criteria: Invitae Variant Classification Sherloc (09022015). Collection method: clinical testing. Allele origin: germline.
Comment: This sequence change replaces leucine, which is neutral and non-polar, with proline, which is neutral and non-polar, at codon 50 of the TSC1 protein (p.Leu50Pro). This variant is not present in population databases (gnomAD no frequency). This missense change has been observed in individual(s) with clinical features of TSC1-related conditions and/or clinical features of tuberous sclerosis complex (PMID: 19747374, 22867869, 32555378; internal data). ClinVar contains an entry for this variant (Variation ID: 48793). Invitae Evidence Modeling of protein sequence and biophysical properties (such as structural, functional, and spatial information, amino acid conservation, physicochemical variation, residue mobility, and thermodynamic stability) has been performed for this missense variant. However, the output from this modeling did not meet the statistical confidence thresholds required to predict the impact of this variant on TSC1 protein function. Experimental studies have shown that this missense change affects TSC1 function (PMID: 19747374, 21309039). In summary, the available evidence is currently insufficient to determine the role of this variant in disease. Therefore, it has been classified as a Variant of Uncertain Significance.

Tuberous sclerosis database (TSC1)
No classification provided. Condition: TSC. Review status: no classification provided. Criteria: Tuberous Sclerosis Database Assertion Criteria 2015. Collection method: curation. Allele origin: germline. Affected: yes. Not counted in ClinVar's aggregate classification.

Literature cited by the submitters: PubMed 19747374 (cited by Ambry Genetics and Labcorp Genetics (formerly Invitae), Labcorp); PubMed 21309039 (cited by Ambry Genetics and Labcorp Genetics (formerly Invitae), Labcorp); PubMed 22867869 (cited by Ambry Genetics and Labcorp Genetics (formerly Invitae), Labcorp); PubMed 32555378 (cited by Ambry Genetics and Labcorp Genetics (formerly Invitae), Labcorp).